The following is an entry in ClinVar:

ClinVar aggregate classification (germline): Uncertain significance (1 of 4 stars; one submission).

Conditions:
Joubert syndrome 23 (JBTS23). Identifiers: Orphanet 475, MedGen C4084822, MONDO:0014664, OMIM 616490.
Short-rib thoracic dysplasia 14 with polydactyly (SRTD14). Identifiers: Orphanet 397715, MedGen C4225286, MONDO:0014688, OMIM 616546.

Allele frequency attached by ClinVar (database versions not stated): gnomAD exomes below 0.00001.
gnomAD v4.1: 1 of 1,581,620 alleles (0.000063%); highest among the groups gnomAD compares: Non-Finnish European, 0.000086%; no homozygotes.

Submission:

Labcorp Genetics (formerly Invitae), Labcorp
Classification: Uncertain significance for Joubert syndrome 23; Short-rib thoracic dysplasia 14 with polydactyly. Last evaluated: 2023-11-10. Review status: criteria provided, single submitter. Criteria: Invitae Variant Classification Sherloc (09022015). Collection method: clinical testing. Allele origin: germline.
Comment: This sequence change falls in intron 29 of the KIAA0586 gene. It does not directly change the encoded amino acid sequence of the KIAA0586 protein. It affects a nucleotide within the consensus splice site. This variant is not present in population databases (gnomAD no frequency). This variant has not been reported in the literature in individuals affected with KIAA0586-related conditions. Variants that disrupt the consensus splice site are a relatively common cause of aberrant splicing (PMID: 17576681, 9536098). Algorithms developed to predict the effect of sequence changes on RNA splicing suggest that this variant is not likely to affect RNA splicing. In summary, the available evidence is currently insufficient to determine the role of this variant in disease. Therefore, it has been classified as a Variant of Uncertain Significance.

Literature cited by the submitters: PubMed 17576681; PubMed 9536098.

NM_001329943.3(KIAA0586):c.4168+6C>T

Gene: KIAA0586 (KIAA0586; plus strand). Cytogenetic location: 14q23.1.
Variant type: single nucleotide variant.
Coding change: c.4168+6C>T on transcript NM_001329943.3 (MANE Select); 6 bases into the intron after coding-DNA position 4168, C replaced by T.
Molecular consequence: intron variant.
Genome position (GRCh38, 1-based): chr14:58,498,966, C>T. VCF-style: chr14-58498966-C-T. GRCh37 (hg19) VCF-style: chr14-58965684-C-T.
Other names: c.4327+6C>T (NM_001244189.2); c.4123+6C>T (NM_001244190.2); c.4036+6C>T (NM_001244192.2, NM_001329947.2); c.3913+6C>T (NM_001244191.2, NM_001364701.2, NM_001329945.2 and 1 more transcripts); c.4168+6C>T (NM_001329944.2, NM_001329946.2); c.3940+6C>T (NM_014749.5); c.3748+6C>T (NM_001244193.2).
Identifiers: ClinVar variation 2939733 (VCV002939733.1), dbSNP rs1327783785, ClinGen allele CA614733556.